The following is an entry in ClinVar:

ClinVar aggregate classification (germline): Pathogenic (1 of 4 stars; one submission).

Conditions:
Cardiovascular phenotype. Identifiers: MedGen CN230736.

Submission:

Ambry Genetics
Classification: Pathogenic for Cardiovascular phenotype. Last evaluated: 2020-12-03. Review status: criteria provided, single submitter. Criteria: Ambry Variant Classification Scheme 2023. Collection method: clinical testing. Allele origin: germline.
Comment: The c.11437C>T (p.Q3813*) alteration, located in exon 43 (coding exon 43) of the ANK2 gene, consists of a C to T substitution at nucleotide position 11437. This changes the amino acid from a glutamine (Q) to a stop codon at amino acid position 3813. This alteration is expected to result in loss of function by premature protein truncation or nonsense-mediated mRNA decay. Based on the supporting evidence, this variant is expected to be causative of ANK2-related neurodevelopmental disorder; however, its clinical significance for ANK2-related cardiac arrhythmias is unclear. Based on the available evidence, this alteration is classified as pathogenic.

NM_001148.6(ANK2):c.11437C>T (p.Gln3813Ter)

Gene: ANK2 (ankyrin 2; plus strand). Cytogenetic location: 4q26.
Variant type: single nucleotide variant.
Coding change: c.11437C>T on transcript NM_001148.6 (MANE Select); coding-DNA position 11437, C replaced by T.
Protein change: p.Gln3813Ter; replaces glutamine 3813 with a stop codon.
Molecular consequence: nonsense.
Genome position (GRCh38, 1-based): chr4:113,369,632, C>T. VCF-style: chr4-113369632-C-T. GRCh37 (hg19) VCF-style: chr4-114290788-C-T.
Other names: c.5155C>T, p.Gln1719Ter (NM_001127493.3); c.5194C>T, p.Gln1732Ter (NM_001354225.2); c.5083C>T, p.Gln1695Ter (NM_001354228.2, NM_001354258.2); c.5161C>T, p.Gln1721Ter (NM_001354230.2); c.5224C>T, p.Gln1742Ter (NM_001354231.2, NM_001354242.2); c.5218C>T, p.Gln1740Ter (NM_001354232.2); c.5179C>T, p.Gln1727Ter (NM_001354235.2, NM_001354246.2, NM_001354265.2); c.5080C>T, p.Gln1694Ter (NM_001354236.2); and 35 more; short protein forms Q1567*, Q1641*, Q1683*, Q1723*, Q1732*, Q1742*, Q3813*, Q3860*.
Identifiers: ClinVar variation 2228433 (VCV002228433.2), dbSNP rs2154066387, ClinGen allele CA357942720.